The following is an entry in ClinVar:

NM_004519.4(KCNQ3):c.386+1G>T

Gene: KCNQ3 (potassium voltage-gated channel subfamily Q member 3; minus strand). Cytogenetic location: 8q24.22.
Variant type: single nucleotide variant.
Coding change: c.386+1G>T on transcript NM_004519.4 (MANE Select); the canonical splice donor site of the intron after coding-DNA position 386, G replaced by T.
Molecular consequence: splice donor variant.
Genome position (GRCh38, 1-based): chr8:132,480,146, C>A on the plus strand (G>T on the coding strand, the complement: KCNQ3 is on the minus strand). VCF-style: chr8-132480146-C-A. GRCh37 (hg19) VCF-style: chr8-133492393-C-A.
Identifiers: ClinVar variation 5019126 (VCV005019126.2).

ClinVar aggregate classification (germline): Likely pathogenic (1 of 4 stars; one submission).

Conditions:
Seizures, benign familial neonatal, 2. Also called: Benign Neonatal Epilepsy 2; Seizures, benign neonatal, 2; KCNQ3-Related Self-Limited Familial Neonatal Epilepsy (SLFNE); CONVULSIONS, BENIGN FAMILIAL NEONATAL, 2; KCNQ3-Related Benign Familial Neonatal Epilepsy. Identifiers: Orphanet 1949, MedGen C1852581, MONDO:0007366, OMIM 121201.

Submission:

Juno Genomics, Hangzhou Juno Genomics, Inc
Classification: Likely pathogenic for Seizures, benign familial neonatal, 2. Review status: criteria provided, single submitter. Criteria: ACMG Guidelines, 2015. Collection method: clinical testing. Allele origin: germline.
Comment: Absent from controls (or at extremely low frequency if recessive) in Genome Aggregation Database.;Null variant in a gene where loss of function (LOF) is a known mechanism of disease.